The following is an entry in ClinVar:

NM_000475.5(NR0B1):c.184dup (p.Leu62fs)

Gene: NR0B1 (nuclear receptor subfamily 0 group B member 1; minus strand). Cytogenetic location: Xp21.2.
Variant type: Duplication.
Coding change: c.184dup on transcript NM_000475.5 (MANE Select); coding-DNA position 184, one base duplicated (C; older notation c.184dupC).
Protein change: p.Leu62fs; shifts the reading frame from leucine 62.
Molecular consequence: frameshift variant.
Genome position (GRCh38, 1-based): chrX:30,309,180, G duplicated on the plus strand (C on the coding strand, the reverse complement: NR0B1 is on the minus strand). VCF-style (leftmost placement, unchanged base first): chrX-30309179-A-AG. GRCh37 (hg19) VCF-style: chrX-30327296-A-AG.
Other names: short protein forms L62fs.
Identifiers: ClinVar variation 3759749 (VCV003759749.2).

ClinVar aggregate classification (germline): Pathogenic (1 of 4 stars; one submission).

Conditions:
Congenital adrenal hypoplasia, X-linked (AHC). Also called: Isolated X-Linked Adrenal Hypoplasia Congenita; ADRENAL HYPOPLASIA, CONGENITAL, WITH HYPOGONADOTROPIC HYPOGONADISM; X-linked AHC; X-Linked Adrenal Hypoplasia Congenita. Identifiers: Orphanet 95702, MedGen C0342482, MONDO:0010264, OMIM 300200. Disease mechanism: loss of function.
46,XY sex reversal 2. Also called: NR0B1-Related 46,XY CGD; NR0B1-related 46,XY complete gonadal dysgenesis; 46,XY SEX REVERSAL, DAX1-RELATED; Dosage-sensitive sex reversal; 46XY sex reversal 2, dosage-sensitive. Identifiers: MedGen C1848296, MONDO:0010226, OMIM 300018.

Submission:

Labcorp Genetics (formerly Invitae), Labcorp
Classification: Pathogenic for Congenital adrenal hypoplasia, X-linked; 46,XY sex reversal 2. Last evaluated: 2024-11-11. Review status: criteria provided, single submitter. Criteria: Invitae Variant Classification Sherloc (09022015). Collection method: clinical testing. Allele origin: germline.
Comment: This sequence change creates a premature translational stop signal (p.Leu62Profs*10) in the NR0B1 gene. It is expected to result in an absent or disrupted protein product. Loss-of-function variants in NR0B1 are known to be pathogenic (PMID: 7990958, 15841486). This variant is not present in population databases (gnomAD no frequency). This variant has not been reported in the literature in individuals affected with NR0B1-related conditions. For these reasons, this variant has been classified as Pathogenic.

Literature cited by the submitters: PubMed 7990958; PubMed 15841486.